The following is an entry in ClinVar:

ClinVar aggregate classification (germline): Uncertain significance. Review status: criteria provided, multiple submitters, no conflicts (2 of 4 stars). 3 submissions from 3 submitters: Uncertain significance (3). Last evaluated 2025-09-15.

Conditions:
Vanishing white matter disease. Also called: CACH syndrome; Childhood ataxia with diffuse central nervous system hypomyelination; Leukoencephalopathy with vanishing white matter; CACH/VWM syndrome; Cree leukoencehalopathy. Identifiers: Orphanet 135, Orphanet 99853, MedGen C1858991, MONDO:0800448.
Inborn genetic diseases. Identifiers: MedGen C0950123, MeSH D030342.

Allele frequency attached by ClinVar (database versions not stated): gnomAD 0.00003; ExAC 0.00004; gnomAD exomes 0.00004 and 0.00007; TOPMed 0.00005.

Submissions (3):

Labcorp Genetics (formerly Invitae), Labcorp
Classification: Uncertain significance. Last evaluated: 2025-09-15. Review status: criteria provided, single submitter. Criteria: Invitae Variant Classification Sherloc (09022015). Collection method: clinical testing. Allele origin: germline.
Comment: This sequence change replaces arginine, which is basic and polar, with tryptophan, which is neutral and slightly polar, at codon 541 of the EIF2B5 protein (p.Arg541Trp). This variant is present in population databases (rs753878206, gnomAD 0.03%). This variant has not been reported in the literature in individuals affected with EIF2B5-related conditions. ClinVar contains an entry for this variant (Variation ID: 344337). Invitae Evidence Modeling of protein sequence and biophysical properties (such as structural, functional, and spatial information, amino acid conservation, physicochemical variation, residue mobility, and thermodynamic stability) indicates that this missense variant is expected to disrupt EIF2B5 protein function with a positive predictive value of 80%. In summary, the available evidence is currently insufficient to determine the role of this variant in disease. Therefore, it has been classified as a Variant of Uncertain Significance.

Ambry Genetics
Classification: Uncertain significance for Inborn genetic diseases. Last evaluated: 2025-04-14. Review status: criteria provided, single submitter. Criteria: Ambry Variant Classification Scheme 2023. Collection method: clinical testing. Allele origin: germline.

Illumina Laboratory Services, Illumina
Classification: Uncertain significance for Leukoencephalopathy with vanishing white matter 1. Last evaluated: 2018-01-12. Review status: criteria provided, single submitter. Criteria: ICSL Variant Classification Criteria 13 December 2019. Collection method: clinical testing. Allele origin: germline.

NM_003907.3(EIF2B5):c.1621C>T (p.Arg541Trp)

Gene: EIF2B5 (eukaryotic translation initiation factor 2B subunit epsilon; plus strand). Cytogenetic location: 3q27.1.
Variant type: single nucleotide variant.
Coding change: c.1621C>T on transcript NM_003907.3 (MANE Select); coding-DNA position 1621, C replaced by T.
Protein change: p.Arg541Trp; replaces arginine 541 with tryptophan.
Molecular consequence: missense variant.
Genome position (GRCh38, 1-based): chr3:184,142,853, C>T. VCF-style: chr3-184142853-C-T. GRCh37 (hg19) VCF-style: chr3-183860641-C-T.
Other names: short protein forms R541W.
Identifiers: ClinVar variation 344337 (VCV000344337.8), dbSNP rs753878206, ClinGen allele CA2726755.
Genomic context (GRCh38, chr3:184,142,853, plus strand): 5'-ATGGAAGAAGAGAGTGAAAGTGAAAGTGAGCAAAGTATGGATTCTGAGGAGCCGGACAGC[C>T]GGGGAGGCTCCCCTCAGATGGATGACATCAAAGGTGAGTGGCAGGGGAGAAATGCGCTGG-3'
Protein context (NP_003898.2, residues 531-551): QSMDSEEPDS[Arg541Trp]GGSPQMDDIK